The following is an entry in ClinVar:

ClinVar aggregate classification (germline): Uncertain significance. Review status: criteria provided, multiple submitters, no conflicts (2 of 4 stars). 2 submissions from 2 submitters: Uncertain significance (2). Last evaluated 2024-03-06.

Conditions:
Hereditary cancer-predisposing syndrome. Also called: Hereditary Cancer Syndrome; Hereditary neoplastic syndrome; Tumor predisposition; Neoplastic Syndromes, Hereditary. Identifiers: Orphanet 140162, MedGen C0027672, MeSH D009386, MONDO:0015356.
Multiple endocrine neoplasia, type 1 (MEN1). Also called: MEA I; MEN I; WERMER SYNDROME; Endocrine adenomatosis multiple; MEN 1. Identifiers: Orphanet 652, MedGen C0025267, MeSH D018761, MONDO:0007540, OMIM 131100.

Submissions (2):

Ambry Genetics
Classification: Uncertain significance for Hereditary cancer-predisposing syndrome. Last evaluated: 2024-03-06. Review status: criteria provided, single submitter. Criteria: Ambry Variant Classification Scheme 2023. Collection method: clinical testing. Allele origin: germline.
Comment: The p.P390Q variant (also known as c.1169C>A), located in coding exon 7 of the MEN1 gene, results from a C to A substitution at nucleotide position 1169. The proline at codon 390 is replaced by glutamine, an amino acid with similar properties. This amino acid position is conserved. In addition, the in silico prediction for this alteration is inconclusive. Based on the available evidence, the clinical significance of this alteration remains unclear.

Labcorp Genetics (formerly Invitae), Labcorp
Classification: Uncertain significance for Multiple endocrine neoplasia, type 1. Last evaluated: 2022-06-09. Review status: criteria provided, single submitter. Criteria: Invitae Variant Classification Sherloc (09022015). Collection method: clinical testing. Allele origin: germline.
Comment: In summary, the available evidence is currently insufficient to determine the role of this variant in disease. Therefore, it has been classified as a Variant of Uncertain Significance. Advanced modeling of protein sequence and biophysical properties (such as structural, functional, and spatial information, amino acid conservation, physicochemical variation, residue mobility, and thermodynamic stability) performed at Invitae indicates that this missense variant is not expected to disrupt MEN1 protein function. This variant has not been reported in the literature in individuals affected with MEN1-related conditions. This variant is not present in population databases (gnomAD no frequency). This sequence change replaces proline, which is neutral and non-polar, with glutamine, which is neutral and polar, at codon 390 of the MEN1 protein (p.Pro390Gln).

NM_001370259.2(MEN1):c.1169C>A (p.Pro390Gln)

Gene: MEN1 (menin 1; minus strand). Cytogenetic location: 11q13.1.
Variant type: single nucleotide variant.
Coding change: c.1169C>A on transcript NM_001370259.2 (MANE Select); coding-DNA position 1169, C replaced by A.
Protein change: p.Pro390Gln; replaces proline 390 with glutamine.
Molecular consequence: missense variant.
Genome position (GRCh38, 1-based): chr11:64,805,651, G>T on the plus strand (C>A on the coding strand, the complement: MEN1 is on the minus strand). VCF-style: chr11-64805651-G-T. GRCh37 (hg19) VCF-style: chr11-64573123-G-T.
Other names: c.1169C>A (NM_130799.2); c.1184C>A, p.Pro395Gln (NM_000244.4, NM_130800.3, NM_130801.3 and 3 more transcripts); c.1295C>A, p.Pro432Gln (NM_001370251.2); c.1169C>A, p.Pro390Gln (NM_001370260.2, NM_001370261.2, NM_130799.3); c.1064C>A, p.Pro355Gln (NM_001370262.2, NM_001370263.2); short protein forms P355Q, P395Q, P390Q, P432Q.
Identifiers: ClinVar variation 1356167 (VCV001356167.7), dbSNP rs761102084, ClinGen allele CA381182095.